The following is an entry in ClinVar:

NM_018082.6(POLR3B):c.1043A>G (p.Asp348Gly)

Gene: POLR3B (RNA polymerase III subunit B; plus strand). Cytogenetic location: 12q23.3.
Variant type: single nucleotide variant.
Coding change: c.1043A>G on transcript NM_018082.6 (MANE Select); coding-DNA position 1043, A replaced by G.
Protein change: p.Asp348Gly; replaces aspartic acid 348 with glycine.
Molecular consequence: missense variant.
Genome position (GRCh38, 1-based): chr12:106,410,902, A>G. VCF-style: chr12-106410902-A-G. GRCh37 (hg19) VCF-style: chr12-106804680-A-G.
Other names: c.869A>G, p.Asp290Gly (NM_001160708.2); short protein forms D348G, D290G.
Identifiers: ClinVar variation 2322324 (VCV002322324.6), dbSNP rs770230205, ClinGen allele CA386387448.

ClinVar aggregate classification (germline): Uncertain significance. Review status: criteria provided, multiple submitters, no conflicts (2 of 4 stars). 2 submissions from 2 submitters: Uncertain significance (2). Last evaluated 2025-02-25.

Conditions:
Inborn genetic diseases. Identifiers: MedGen C0950123, MeSH D030342.

gnomAD v4.1: 1 of 1,613,748 alleles (0.000062%); highest among the groups gnomAD compares: Non-Finnish European, 0.000085%; no homozygotes.

Submissions (2):

Ambry Genetics
Classification: Uncertain significance for Inborn genetic diseases. Last evaluated: 2025-02-25. Review status: criteria provided, single submitter. Criteria: Ambry Variant Classification Scheme 2023. Collection method: clinical testing. Allele origin: germline.

Labcorp Genetics (formerly Invitae), Labcorp
Classification: Uncertain significance. Last evaluated: 2024-01-09. Review status: criteria provided, single submitter. Criteria: Invitae Variant Classification Sherloc (09022015). Collection method: clinical testing. Allele origin: germline.
Comment: This sequence change replaces aspartic acid, which is acidic and polar, with glycine, which is neutral and non-polar, at codon 348 of the POLR3B protein (p.Asp348Gly). This variant is not present in population databases (gnomAD no frequency). This variant has not been reported in the literature in individuals affected with POLR3B-related conditions. ClinVar contains an entry for this variant (Variation ID: 2322324). Advanced modeling of protein sequence and biophysical properties (such as structural, functional, and spatial information, amino acid conservation, physicochemical variation, residue mobility, and thermodynamic stability) performed at Invitae indicates that this missense variant is not expected to disrupt POLR3B protein function with a negative predictive value of 80%. In summary, the available evidence is currently insufficient to determine the role of this variant in disease. Therefore, it has been classified as a Variant of Uncertain Significance.